The following is an entry in ClinVar:

NM_004655.4(AXIN2):c.1907+6del

Gene: AXIN2 (axin 2; minus strand). Cytogenetic location: 17q24.1.
Variant type: Deletion.
Coding change: c.1907+6del on transcript NM_004655.4 (MANE Select); 6 bases into the intron after coding-DNA position 1907, one base deleted (C; older notation c.1907+6delC).
Molecular consequence: intron variant.
Genome position (GRCh38, 1-based): chr17:65,536,863, G deleted on the plus strand (C on the coding strand, the reverse complement: AXIN2 is on the minus strand). VCF-style (leftmost placement, unchanged base first): chr17-65536862-TG-T. GRCh37 (hg19) VCF-style: chr17-63532980-TG-T.
Other names: c.1713-310del (NM_001363813.1).
Identifiers: ClinVar variation 1003745 (VCV001003745.6), dbSNP rs2043930697, ClinGen allele CA2270883674.

ClinVar aggregate classification (germline): Uncertain significance (1 of 4 stars; one submission).

Conditions:
Oligodontia-cancer predisposition syndrome. Also called: TOOTH AGENESIS-COLORECTAL CANCER SYNDROME. Identifiers: Orphanet 300576, MedGen C1837750, MONDO:0012075, OMIM 608615. Disease mechanism: loss of function.

Submission:

Labcorp Genetics (formerly Invitae), Labcorp
Classification: Uncertain significance for Oligodontia-cancer predisposition syndrome. Last evaluated: 2024-07-08. Review status: criteria provided, single submitter. Criteria: Invitae Variant Classification Sherloc (09022015). Collection method: clinical testing. Allele origin: germline.
Comment: This sequence change falls in intron 7 of the AXIN2 gene. It does not directly change the encoded amino acid sequence of the AXIN2 protein. It affects a nucleotide within the consensus splice site. This variant is not present in population databases (gnomAD no frequency). This variant has not been reported in the literature in individuals affected with AXIN2-related conditions. ClinVar contains an entry for this variant (Variation ID: 1003745). Variants that disrupt the consensus splice site are a relatively common cause of aberrant splicing (PMID: 17576681, 9536098). Algorithms developed to predict the effect of sequence changes on RNA splicing suggest that this variant is not likely to affect RNA splicing. In summary, the available evidence is currently insufficient to determine the role of this variant in disease. Therefore, it has been classified as a Variant of Uncertain Significance.

Literature cited by the submitters: PubMed 17576681; PubMed 9536098.